The following is an entry in ClinVar:

ClinVar aggregate classification (germline): Uncertain significance (1 of 4 stars; one submission).

Conditions:
Cardiovascular phenotype. Identifiers: MedGen CN230736.

Submission:

Ambry Genetics
Classification: Uncertain significance for Cardiovascular phenotype. Last evaluated: 2023-10-15. Review status: criteria provided, single submitter. Criteria: Ambry Variant Classification Scheme 2023. Collection method: clinical testing. Allele origin: germline.
Comment: The p.S722P variant (also known as c.2164T>C), located in coding exon 14 of the DSC2 gene, results from a T to C substitution at nucleotide position 2164. The serine at codon 722 is replaced by proline, an amino acid with similar properties. This amino acid position is conserved. In addition, this alteration is predicted to be tolerated by in silico analysis. Since supporting evidence is limited at this time, the clinical significance of this alteration remains unclear.

NM_024422.6(DSC2):c.2164T>C (p.Ser722Pro)

Gene: DSC2 (desmocollin 2; minus strand). Cytogenetic location: 18q12.1.
Variant type: single nucleotide variant.
Coding change: c.2164T>C on transcript NM_024422.6 (MANE Select); coding-DNA position 2164, T replaced by C.
Protein change: p.Ser722Pro; replaces serine 722 with proline.
Molecular consequence: missense variant.
Genome position (GRCh38, 1-based): chr18:31,070,812, A>G on the plus strand (T>C on the coding strand, the complement: DSC2 is on the minus strand). VCF-style: chr18-31070812-A-G. GRCh37 (hg19) VCF-style: chr18-28650778-A-G.
Other names: c.1735T>C, p.Ser579Pro (NM_001406506.1, NM_001406507.1); c.2164T>C, p.Ser722Pro (NM_004949.5); short protein forms S579P, S722P.
Identifiers: ClinVar variation 3227841 (VCV003227841.1), dbSNP rs2510939507, ClinGen allele CA402112521.
Genomic context (GRCh38, chr18:31,070,812, plus strand): 5'-TGTTTGATACAATTAGGTTCTGCTGGGCTAAATCATCAGGAATTACTTTTGGTTGTTTAG[A>G]CGTCCCAGAAGCCCCACAGACCAGCGTAAACAGGATGCCTGGAGGAAGAAAGAAATATAC-3'
Protein context (NP_077740.1, residues 712-732): FTLVCGASGT[Ser722Pro]KQPKVIPDDL